The following is an entry in ClinVar:

NM_012208.4(HARS2):c.828delinsGTATCCCTAGTATTTCTACTA (p.Gly276_Gly277insTyrProTer)

Gene: HARS2 (histidyl-tRNA synthetase 2, mitochondrial; plus strand). Cytogenetic location: 5q31.3.
Variant type: Indel.
Coding change: c.828delinsGTATCCCTAGTATTTCTACTA on transcript NM_012208.4 (MANE Select); coding-DNA position 828, T replaced by GTATCCCTAGTATTTCTACTA.
Protein change: p.Gly276_Gly277insTyrProTer.
Molecular consequence: nonsense, inframe insertion.
Genome position (GRCh38, 1-based): chr5:140,696,944, T replaced by GTATCCCTAGTATTTCTACTA. VCF-style: chr5-140696944-T-GTATCCCTAGTATTTCTACTA. GRCh37 (hg19) VCF-style: chr5-140076529-T-GTATCCCTAGTATTTCTACTA.
Other names: c.753delinsGTATCCCTAGTATTTCTACTA, p.Gly251_Gly252insTyrProTer (NM_001278731.2); c.396delinsGTATCCCTAGTATTTCTACTA, p.Gly132_Gly133insTyrProTer (NM_001278732.2); c.846delinsGTATCCCTAGTATTTCTACTA, p.Gly282_Gly283insTyrProTer (NM_001363535.2); c.618delinsGTATCCCTAGTATTTCTACTA, p.Gly206_Gly207insTyrProTer (NM_001363536.2).
Identifiers: ClinVar variation 635271 (VCV000635271.2), dbSNP rs1581550832, ClinGen allele CA915942653.
Genomic context (GRCh38, chr5:140,696,944, plus strand): 5'-AGGGATAATTTTGAATGAAACACATGTGAGTGAACAGCAGAGACTTTATTTCTCTCCAGG[T>GTATCCCTAGTATTTCTACTA]GGGGTATCCCTAGTAGAGCAAATGTTTCAGGATCCCAGACTATCCCAGAACAAGCAGGCC-3'

ClinVar aggregate classification (germline): Likely pathogenic (0 of 4 stars; one submission).

Conditions:
Sensorineural hearing loss disorder. Also called: Sensorineural hearing loss; Sensorineural hearing impairment; Sensorineural Deafness. Identifiers: MedGen C0018784, MeSH D006319, MONDO:0020678, HP:0000407.

Submission:

Dept. of Evolution and Genomic Sciences, University of Manchester
Classification: Likely pathogenic for Sensorineural hearing loss disorder. Last evaluated: 2019-01-17. Review status: no assertion criteria provided. Collection method: clinical testing. Allele origin: inherited. Inheritance: Autosomal recessive inheritance. Affected: yes. Observed: 2 variant alleles.
Comment: Loss of function variant in a known hearing loss gene.